The following is an entry in ClinVar:

NM_001852.4(COL9A2):c.1982C>T (p.Pro661Leu)

Gene: COL9A2 (collagen type IX alpha 2 chain; minus strand). Cytogenetic location: 1p34.2.
Variant type: single nucleotide variant.
Coding change: c.1982C>T on transcript NM_001852.4 (MANE Select); coding-DNA position 1982, C replaced by T.
Protein change: p.Pro661Leu; replaces proline 661 with leucine.
Molecular consequence: missense variant.
Genome position (GRCh38, 1-based): chr1:40,301,270, G>A on the plus strand (C>T on the coding strand, the complement: COL9A2 is on the minus strand). VCF-style: chr1-40301270-G-A. GRCh37 (hg19) VCF-style: chr1-40766942-G-A.
Other names: short protein forms P661L.
Identifiers: ClinVar variation 196778 (VCV000196778.62), dbSNP rs150687987, ClinGen allele CA244150.

ClinVar aggregate classification (germline): Conflicting classifications of pathogenicity. Review status: criteria provided, conflicting classifications (1 of 4 stars). 10 submissions from 10 submitters: Uncertain significance (1); Benign (1); Likely benign (8). Last evaluated 2026-02-01.

Conditions:
Connective tissue disorder. Also called: Connective tissue disease. Identifiers: MedGen C0009782, MONDO:0003900.
Epiphyseal dysplasia, multiple, 2 (EDM2). Also called: COL9A2-Related Multiple Epiphyseal Dysplasia. Identifiers: MedGen C1838429, MONDO:0010844, OMIM 600204.

Allele frequency attached by ClinVar (database versions not stated): 1000 Genomes Project 30x 0.00047; 1000 Genomes Project 0.00060; gnomAD 0.00195 and 0.00242; gnomAD exomes 0.00206; ExAC 0.00243; TOPMed 0.00254; ESP Exome Variant Server 0.00338.
gnomAD v4.1: 4,457 of 1,614,048 alleles (0.28%); highest among the groups gnomAD compares: Non-Finnish European, 0.34%; 6 homozygotes.

Submissions (10):

CeGaT Center for Human Genetics Tuebingen
Classification: Likely benign. Last evaluated: 2026-02-01. Review status: criteria provided, single submitter. Criteria: CeGaT Center For Human Genetics Tuebingen Variant Classification Criteria Version 2. Collection method: clinical testing. Allele origin: germline. Affected: yes. Observed: 4 variant alleles.
Comment: COL9A2: PP3, BS2

Labcorp Genetics (formerly Invitae), Labcorp
Classification: Likely benign. Last evaluated: 2026-02-01. Review status: criteria provided, single submitter. Criteria: Invitae Variant Classification Sherloc (09022015). Collection method: clinical testing. Allele origin: germline.

Women's Health and Genetics/Laboratory Corporation of America, LabCorp
Classification: Likely benign. Last evaluated: 2025-03-14. Review status: criteria provided, single submitter. Criteria: LabCorp Variant Classification Summary - May 2015. Collection method: clinical testing. Allele origin: germline.

Blueprint Genetics
Classification: Likely benign. Last evaluated: 2024-11-22. Review status: criteria provided, single submitter. Criteria: ACMG Guidelines, 2015. Collection method: clinical testing. Allele origin: germline.

ARUP Laboratories, Molecular Genetics and Genomics, ARUP Laboratories
Classification: Likely benign. Last evaluated: 2023-10-13. Review status: criteria provided, single submitter. Criteria: ARUP Molecular Germline Variant Investigation Process 2024. Collection method: clinical testing. Allele origin: germline.

Genome Diagnostics Laboratory, The Hospital for Sick Children
Classification: Likely benign for Connective tissue disorder. Last evaluated: 2020-02-01. Review status: criteria provided, single submitter. Criteria: ACMG Guidelines, 2015. Collection method: clinical testing. Allele origin: germline.

Illumina Laboratory Services, Illumina
Classification: Benign for Epiphyseal dysplasia, multiple, 2. Last evaluated: 2018-01-13. Review status: criteria provided, single submitter. Criteria: ICSL Variant Classification Criteria 13 December 2019. Collection method: clinical testing. Allele origin: germline.
Comment: This variant was observed in the ICSL laboratory as part of a predisposition screen in an ostensibly healthy population. It had not been previously curated by ICSL or reported in the Human Gene Mutation Database (HGMD: prior to June 1st, 2018), and was therefore a candidate for classification through an automated scoring system. Utilizing variant allele frequency, disease prevalence and penetrance estimates, and inheritance mode, an automated score was calculated to assess if this variant is too frequent to cause the disease. Based on the score and internal cut-off values, a variant classified as benign is not then subjected to further curation. The score for this variant resulted in a classification of benign for this disease.

GeneDx
Classification: Likely benign. Last evaluated: 2017-12-11. Review status: criteria provided, single submitter. Criteria: GeneDx Variant Classification (06012015). Collection method: clinical testing. Allele origin: germline. Affected: yes.
Comment: This variant is considered likely benign or benign based on one or more of the following criteria: it is a conservative change, it occurs at a poorly conserved position in the protein, it is predicted to be benign by multiple in silico algorithms, and/or has population frequency not consistent with disease.

Eurofins Ntd Llc (ga)
Classification: Uncertain significance. Last evaluated: 2016-09-20. Review status: criteria provided, single submitter. Criteria: EGL Classification Definitions 2015. Collection method: clinical testing. Allele origin: germline. Observed: 7 variant alleles, 7 heterozygotes.

PreventionGenetics, part of Exact Sciences
Classification: Likely benign. Review status: criteria provided, single submitter. Criteria: ACMG Guidelines, 2015. Collection method: clinical testing. Allele origin: germline.